The following is an entry in ClinVar:

ClinVar aggregate classification (germline): Uncertain significance. Review status: criteria provided, multiple submitters, no conflicts (2 of 4 stars). 2 submissions from 2 submitters: Uncertain significance (2). Last evaluated 2026-09-01.

Conditions:
Curry-Hall syndrome (WAD). Also called: WEYERS ACRODENTAL DYSOSTOSIS. Identifiers: Orphanet 952, MedGen C0457013, MONDO:0008673, OMIM 193530.
Ellis-van Creveld syndrome (EVC). Also called: MESOECTODERMAL DYSPLASIA; Chondroectodermal dysplasia. Identifiers: Orphanet 289, MedGen C0013903, MONDO:0009162, OMIM 225500.
Inborn genetic diseases. Identifiers: MedGen C0950123, MeSH D030342.

Allele frequency attached by ClinVar (database versions not stated): gnomAD exomes below 0.00001.
gnomAD v4.1: 1 of 1,614,166 alleles (0.000062%); highest among the groups gnomAD compares: Non-Finnish European, 0.000085%; no homozygotes.

Submissions (2):

Ambry Genetics
Classification: Uncertain significance for Inborn genetic diseases. Last evaluated: 2026-09-01. Review status: criteria provided, single submitter. Criteria: Ambry Variant Classification Scheme 2023. Collection method: clinical testing. Allele origin: germline.

Labcorp Genetics (formerly Invitae), Labcorp
Classification: Uncertain significance for Curry-Hall syndrome; Ellis-van Creveld syndrome. Last evaluated: 2023-02-21. Review status: criteria provided, single submitter. Criteria: Invitae Variant Classification Sherloc (09022015). Collection method: clinical testing. Allele origin: germline.
Comment: In summary, the available evidence is currently insufficient to determine the role of this variant in disease. Therefore, it has been classified as a Variant of Uncertain Significance. Algorithms developed to predict the effect of missense changes on protein structure and function output the following: SIFT: "Not Available"; PolyPhen-2: "Benign"; Align-GVGD: "Not Available". The glutamine amino acid residue is found in multiple mammalian species, which suggests that this missense change does not adversely affect protein function. This variant has not been reported in the literature in individuals affected with EVC2-related conditions. This variant is not present in population databases (gnomAD no frequency). This sequence change replaces lysine, which is basic and polar, with glutamine, which is neutral and polar, at codon 1080 of the EVC2 protein (p.Lys1080Gln).

NM_147127.5(EVC2):c.3238A>C (p.Lys1080Gln)

Gene: EVC2 (EvC ciliary complex subunit 2; minus strand). Cytogenetic location: 4p16.2.
Variant type: single nucleotide variant.
Coding change: c.3238A>C on transcript NM_147127.5 (MANE Select); coding-DNA position 3238, A replaced by C.
Protein change: p.Lys1080Gln; replaces lysine 1080 with glutamine.
Molecular consequence: missense variant.
Genome position (GRCh38, 1-based): chr4:5,576,274, T>G on the plus strand (A>C on the coding strand, the complement: EVC2 is on the minus strand). VCF-style: chr4-5576274-T-G. GRCh37 (hg19) VCF-style: chr4-5578001-T-G.
Other names: c.2998A>C, p.Lys1000Gln (NM_001166136.2); c.3238A>C (NM_147127.4); short protein forms K1000Q, K1080Q.
Identifiers: ClinVar variation 2943656 (VCV002943656.4), dbSNP rs2108778621, ClinGen allele CA356151995.